The following is an entry in ClinVar:

ClinVar aggregate classification (germline): Uncertain significance (1 of 4 stars; one submission).

Allele frequency attached by ClinVar (database versions not stated): gnomAD exomes below 0.00001; ExAC 0.00001; gnomAD 0.00003; TOPMed 0.00004.
gnomAD v4.1: 6 of 1,614,002 alleles (0.00037%); highest among the groups gnomAD compares: South Asian, 0.0022%; no homozygotes.

Submission:

Labcorp Genetics (formerly Invitae), Labcorp
Classification: Uncertain significance. Last evaluated: 2023-09-29. Review status: criteria provided, single submitter. Criteria: Invitae Variant Classification Sherloc (09022015). Collection method: clinical testing. Allele origin: germline.
Comment: In summary, the available evidence is currently insufficient to determine the role of this variant in disease. Therefore, it has been classified as a Variant of Uncertain Significance. Advanced modeling of protein sequence and biophysical properties (such as structural, functional, and spatial information, amino acid conservation, physicochemical variation, residue mobility, and thermodynamic stability) has been performed at Invitae for this missense variant, however the output from this modeling did not meet the statistical confidence thresholds required to predict the impact of this variant on HK1 protein function. This variant has not been reported in the literature in individuals affected with HK1-related conditions. This variant is present in population databases (rs767774458, gnomAD 0.003%). This sequence change replaces glycine, which is neutral and non-polar, with serine, which is neutral and polar, at codon 227 of the HK1 protein (p.Gly227Ser).

NM_000188.3(HK1):c.679G>A (p.Gly227Ser)

Gene: HK1 (hexokinase 1; plus strand). Cytogenetic location: 10q22.1.
Variant type: single nucleotide variant.
Coding change: c.679G>A on transcript NM_000188.3 (MANE Select); coding-DNA position 679, G replaced by A.
Protein change: p.Gly227Ser; replaces glycine 227 with serine.
Molecular consequence: missense variant.
Genome position (GRCh38, 1-based): chr10:69,369,324, G>A. VCF-style: chr10-69369324-G-A. GRCh37 (hg19) VCF-style: chr10-71129080-G-A.
Other names: c.691G>A, p.Gly231Ser (NM_001322364.2, NM_001358263.1, NM_033497.3 and 1 more transcripts); c.784G>A, p.Gly262Ser (NM_001322365.2); c.595G>A, p.Gly199Ser (NM_001322366.1); c.583G>A, p.Gly195Ser (NM_001322367.1); c.676G>A, p.Gly226Ser (NM_033496.3); c.643G>A, p.Gly215Ser (NM_033500.2); short protein forms G199S, G215S, G195S, G226S, G227S, G231S, G262S.
Identifiers: ClinVar variation 2793096 (VCV002793096.3), dbSNP rs767774458, ClinGen allele CA5532401.
Genomic context (GRCh38, chr10:69,369,324, plus strand): 5'-GTGAATGACACAGTGGGCACCATGATGACCTGTGGCTATGACGACCAGCACTGTGAAGTC[G>A]GCCTGATCATCGGTAATGCATTCCCCTTTGCCCATCCATTTGTTCGGCCCATCTTTCCAG-3'
Protein context (NP_000179.2, residues 217-237): CGYDDQHCEV[Gly227Ser]LIIGTGTNAC